The following is an entry in ClinVar:

ClinVar aggregate classification (germline): Uncertain significance (1 of 4 stars; one submission).

Allele frequency attached by ClinVar (database versions not stated): gnomAD exomes below 0.00001; ExAC 0.00002.
gnomAD v4.1: 5 of 1,614,182 alleles (0.00031%); highest among the groups gnomAD compares: South Asian, 0.0033%; no homozygotes.

Submission:

Labcorp Genetics (formerly Invitae), Labcorp
Classification: Uncertain significance. Last evaluated: 2025-02-24. Review status: criteria provided, single submitter. Criteria: Invitae Variant Classification Sherloc (09022015). Collection method: clinical testing. Allele origin: germline.
Comment: This sequence change replaces glycine, which is neutral and non-polar, with serine, which is neutral and polar, at codon 2299 of the BPTF protein (p.Gly2299Ser). This variant is present in population databases (rs782716099, gnomAD 0.006%). This variant has not been reported in the literature in individuals affected with BPTF-related conditions. ClinVar contains an entry for this variant (Variation ID: 1919257). An algorithm developed to predict the effect of missense changes on protein structure and function (PolyPhen-2) suggests that this variant is likely to be disruptive. In summary, the available evidence is currently insufficient to determine the role of this variant in disease. Therefore, it has been classified as a Variant of Uncertain Significance.

NM_182641.4(BPTF):c.6517G>A (p.Gly2173Ser)

Gene: BPTF (bromodomain PHD finger transcription factor; plus strand). Cytogenetic location: 17q24.2.
Variant type: single nucleotide variant.
Coding change: c.6517G>A on transcript NM_182641.4 (MANE Select); coding-DNA position 6517, G replaced by A.
Protein change: p.Gly2173Ser; replaces glycine 2173 with serine.
Molecular consequence: missense variant.
Genome position (GRCh38, 1-based): chr17:67,944,189, G>A. VCF-style: chr17-67944189-G-A. GRCh37 (hg19) VCF-style: chr17-65940305-G-A.
Other names: c.6895G>A, p.Gly2299Ser (NM_004459.7); short protein forms G2173S, G2299S.
Identifiers: ClinVar variation 1919257 (VCV001919257.5), dbSNP rs782716099, ClinGen allele CA8726221.